The following is an entry in ClinVar:

NM_000083.3(CLCN1):c.2012T>G (p.Leu671Arg)

Genes: CLCN1 (chloride voltage-gated channel 1; plus strand), LOC123956257 (Sharpr-MPRA regulatory region 4117; plus strand). Cytogenetic location: 7q34.
Variant type: single nucleotide variant.
Coding change: c.2012T>G on transcript NM_000083.3 (MANE Select); coding-DNA position 2012, T replaced by G.
Protein change: p.Leu671Arg; replaces leucine 671 with arginine.
Molecular consequence: missense variant. On other transcripts: non-coding transcript variant (1).
Genome position (GRCh38, 1-based): chr7:143,345,602, T>G. VCF-style: chr7-143345602-T-G. GRCh37 (hg19) VCF-style: chr7-143042695-T-G.
Other names: short protein forms L671R.
Identifiers: ClinVar variation 462835 (VCV000462835.11), dbSNP rs772516304, ClinGen allele CA4537525.

ClinVar aggregate classification (germline): Uncertain significance. Review status: criteria provided, multiple submitters, no conflicts (2 of 4 stars). 2 submissions from 2 submitters: Uncertain significance (2). Last evaluated 2024-02-16.

Conditions:
Congenital myotonia, autosomal recessive form. Also called: myotonia congenita, autosomal recessive; BECKER DISEASE; Becker Generalized Myotonia. Identifiers: Orphanet 614, MedGen C0751360, MONDO:0009715, OMIM 255700.
Congenital myotonia, autosomal dominant form (THD). Also called: Myotonia congenita autosomal dominant; THOMSEN DISEASE. Identifiers: Orphanet 614, MedGen C2936781, MONDO:0008055, OMIM 160800.

Allele frequency attached by ClinVar (database versions not stated): gnomAD 0.00003; TOPMed 0.00008; ExAC below 0.00001; gnomAD exomes 0.00001.
gnomAD v4.1: 16 of 1,553,954 alleles (0.001%); highest among the groups gnomAD compares: African/African-American, 0.022%; no homozygotes.

Submissions (2):

Labcorp Genetics (formerly Invitae), Labcorp
Classification: Uncertain significance for Congenital myotonia, autosomal recessive form; Congenital myotonia, autosomal dominant form. Last evaluated: 2024-02-16. Review status: criteria provided, single submitter. Criteria: Invitae Variant Classification Sherloc (09022015). Collection method: clinical testing. Allele origin: germline.
Comment: This sequence change replaces leucine, which is neutral and non-polar, with arginine, which is basic and polar, at codon 671 of the CLCN1 protein (p.Leu671Arg). This variant is present in population databases (rs772516304, gnomAD 0.02%). This variant has not been reported in the literature in individuals affected with CLCN1-related conditions. ClinVar contains an entry for this variant (Variation ID: 462835). Advanced modeling of protein sequence and biophysical properties (such as structural, functional, and spatial information, amino acid conservation, physicochemical variation, residue mobility, and thermodynamic stability) has been performed at Invitae for this missense variant, however the output from this modeling did not meet the statistical confidence thresholds required to predict the impact of this variant on CLCN1 protein function. In summary, the available evidence is currently insufficient to determine the role of this variant in disease. Therefore, it has been classified as a Variant of Uncertain Significance.

Revvity Omics, Revvity
Classification: Uncertain significance. Last evaluated: 2021-08-18. Review status: criteria provided, single submitter. Criteria: ACMG Guidelines, 2015. Collection method: clinical testing. Allele origin: germline.